The following is an entry in ClinVar:

ClinVar aggregate classification (germline): Likely benign. Review status: criteria provided, multiple submitters, no conflicts (2 of 4 stars). 3 submissions from 3 submitters: Likely benign (3). Last evaluated 2025-09-21.

Conditions:
Inborn genetic diseases. Identifiers: MedGen C0950123, MeSH D030342.
Focal segmental glomerulosclerosis 5 (FSGS5). Identifiers: Orphanet 656, MedGen C2750475, MONDO:0013191, OMIM 613237.
Charcot-Marie-Tooth disease dominant intermediate E. Also called: CHARCOT-MARIE-TOOTH NEUROPATHY WITH FOCAL SEGMENTAL GLOMERULONEPHRITIS. Identifiers: Orphanet 93114, MedGen C4302667, MONDO:0013758, OMIM 614455.

Allele frequency attached by ClinVar (database versions not stated): TOPMed 0.00002; ExAC 0.00003; gnomAD exomes 0.00003; gnomAD 0.00004 and 0.00005.
gnomAD v4.1: 67 of 1,612,580 alleles (0.0042%); highest among the groups gnomAD compares: East Asian, 0.056%; no homozygotes.

Submissions (3):

Labcorp Genetics (formerly Invitae), Labcorp
Classification: Likely benign for Charcot-Marie-Tooth disease dominant intermediate E; Focal segmental glomerulosclerosis 5. Last evaluated: 2025-09-21. Review status: criteria provided, single submitter. Criteria: Invitae Variant Classification Sherloc (09022015). Collection method: clinical testing. Allele origin: germline.

Ambry Genetics
Classification: Likely benign for Inborn genetic diseases. Last evaluated: 2020-03-25. Review status: criteria provided, single submitter. Criteria: Ambry Variant Classification Scheme 2023. Collection method: clinical testing. Allele origin: germline.

GeneDx
Classification: Likely benign. Last evaluated: 2017-10-17. Review status: criteria provided, single submitter. Criteria: GeneDx Variant Classification (06012015). Collection method: clinical testing. Allele origin: germline. Affected: yes.
Comment: This variant is considered likely benign or benign based on one or more of the following criteria: it is a conservative change, it occurs at a poorly conserved position in the protein, it is predicted to be benign by multiple in silico algorithms, and/or has population frequency not consistent with disease.

NM_022489.4(INF2):c.2683G>A (p.Asp895Asn)

Gene: INF2 (inverted formin 2; plus strand). Cytogenetic location: 14q32.33.
Variant type: single nucleotide variant.
Coding change: c.2683G>A on transcript NM_022489.4 (MANE Select); coding-DNA position 2683, G replaced by A.
Protein change: p.Asp895Asn; replaces aspartic acid 895 with asparagine.
Molecular consequence: missense variant.
Genome position (GRCh38, 1-based): chr14:104,712,900, G>A. VCF-style: chr14-104712900-G-A. GRCh37 (hg19) VCF-style: chr14-105179237-G-A.
Other names: c.2683G>A, p.Asp895Asn (NM_001031714.4); short protein forms D895N.
Identifiers: ClinVar variation 512712 (VCV000512712.8), dbSNP rs776314008, ClinGen allele CA7373039.